The following is an entry in ClinVar:

ClinVar aggregate classification (germline): Uncertain significance (1 of 4 stars; one submission).

Allele frequency attached by ClinVar (database versions not stated): gnomAD 0.00001.
gnomAD v4.1: 2 of 1,609,924 alleles (0.00012%); highest among the groups gnomAD compares: African/African-American, 0.0027%; no homozygotes.

Submission:

Labcorp Genetics (formerly Invitae), Labcorp
Classification: Uncertain significance. Last evaluated: 2022-12-30. Review status: criteria provided, single submitter. Criteria: Invitae Variant Classification Sherloc (09022015). Collection method: clinical testing. Allele origin: germline.
Comment: In summary, the available evidence is currently insufficient to determine the role of this variant in disease. Therefore, it has been classified as a Variant of Uncertain Significance. Advanced modeling of protein sequence and biophysical properties (such as structural, functional, and spatial information, amino acid conservation, physicochemical variation, residue mobility, and thermodynamic stability) performed at Invitae indicates that this missense variant is not expected to disrupt LONP1 protein function. This variant has not been reported in the literature in individuals affected with LONP1-related conditions. This variant is not present in population databases (gnomAD no frequency). This sequence change replaces glutamic acid, which is acidic and polar, with aspartic acid, which is acidic and polar, at codon 352 of the LONP1 protein (p.Glu352Asp).

NM_004793.4(LONP1):c.1056G>C (p.Glu352Asp)

Gene: LONP1 (lon peptidase 1, mitochondrial; minus strand). Cytogenetic location: 19p13.3.
Variant type: single nucleotide variant.
Coding change: c.1056G>C on transcript NM_004793.4 (MANE Select); coding-DNA position 1056, G replaced by C.
Protein change: p.Glu352Asp; replaces glutamic acid 352 with aspartic acid.
Molecular consequence: missense variant. On other transcripts: non-coding transcript variant (1).
Genome position (GRCh38, 1-based): chr19:5,707,703, C>G on the plus strand (G>C on the coding strand, the complement: LONP1 is on the minus strand). VCF-style: chr19-5707703-C-G. GRCh37 (hg19) VCF-style: chr19-5707714-C-G.
Other names: c.864G>C, p.Glu288Asp (NM_001276479.2); c.468G>C, p.Glu156Asp (NM_001276480.1); short protein forms E156D, E288D, E352D.
Identifiers: ClinVar variation 3018648 (VCV003018648.3), dbSNP rs2055170096, ClinGen allele CA403535740.